The following is an entry in ClinVar:

NM_000543.5(SMPD1):c.1021C>T (p.Arg341Cys)

Gene: SMPD1 (sphingomyelin phosphodiesterase 1; plus strand). Cytogenetic location: 11p15.4.
Variant type: single nucleotide variant.
Coding change: c.1021C>T on transcript NM_000543.5 (MANE Select); coding-DNA position 1021, C replaced by T.
Protein change: p.Arg341Cys; replaces arginine 341 with cysteine.
Molecular consequence: missense variant. On other transcripts: synonymous variant (1), non-coding transcript variant (1).
Genome position (GRCh38, 1-based): chr11:6,392,086, C>T. VCF-style: chr11-6392086-C-T. GRCh37 (hg19) VCF-style: chr11-6413316-C-T.
Other names: c.1018C>T, p.Arg340Cys (NM_001007593.3); c.1021C>T, p.Arg341Cys (NM_001318087.2, NM_001365135.2); c.60C>T, p.Pro20= (NM_001318088.2); short protein forms R341C, R340C.
Identifiers: ClinVar variation 291287 (VCV000291287.9), dbSNP rs369841281, ClinGen allele CA5852733.

ClinVar aggregate classification (germline): Uncertain significance. Review status: criteria provided, multiple submitters, no conflicts (2 of 4 stars). 3 submissions from 3 submitters: Uncertain significance (2). 1 of the submissions does not count toward it. Last evaluated 2021-04-15.

Conditions:
SMPD1-related disorder. Also called: SMPD1-related condition.

Allele frequency attached by ClinVar (database versions not stated): ExAC 0.00003; gnomAD exomes 0.00003; gnomAD 0.00013 and 0.00014; TOPMed 0.00013.

Submissions (3):

GeneDx
Classification: Uncertain significance. Last evaluated: 2021-04-15. Review status: criteria provided, single submitter. Criteria: GeneDx Variant Classification Process June 2021. Collection method: clinical testing. Allele origin: germline. Affected: yes.
Comment: Has not been previously published as pathogenic or benign to our knowledge; In silico analysis supports that this missense variant does not alter protein structure/function; Missense variants in this gene are often considered pathogenic (Stenson et al., 2014)

Eurofins Ntd Llc (ga)
Classification: Uncertain significance. Last evaluated: 2018-09-13. Review status: criteria provided, single submitter. Criteria: EGL ClinVar v180209 classification definitions. Collection method: clinical testing. Allele origin: germline. Observed: 2 variant alleles, 2 heterozygotes.

PreventionGenetics, part of Exact Sciences
Classification: Uncertain significance for SMPD1-related condition. Last evaluated: 2024-04-17. Review status: no assertion criteria provided. Collection method: clinical testing. Allele origin: germline. Not counted in ClinVar's aggregate classification.
Comment: The SMPD1 c.1021C>T variant is predicted to result in the amino acid substitution p.Arg341Cys. To our knowledge, this variant has not been reported in the literature. This variant is reported in 0.020% of alleles in individuals of African descent in gnomAD. At this time, the clinical significance of this variant is uncertain due to the absence of conclusive functional and genetic evidence.